The following is an entry in ClinVar:

NM_178172.6(GPIHBP1):c.52+2T>C

Gene: GPIHBP1 (glycosylphosphatidylinositol anchored high density lipoprotein binding protein 1; plus strand). Cytogenetic location: 8q24.3.
Variant type: single nucleotide variant.
Coding change: c.52+2T>C on transcript NM_178172.6 (MANE Select); the canonical splice donor site of the intron after coding-DNA position 52, T replaced by C.
Molecular consequence: splice donor variant.
Genome position (GRCh38, 1-based): chr8:143,213,321, T>C. VCF-style: chr8-143213321-T-C. GRCh37 (hg19) VCF-style: chr8-144295196-T-C.
Other names: c.52+2T>C (NM_001301772.2).
Identifiers: ClinVar variation 3358985 (VCV003358985.4).

ClinVar aggregate classification (germline): Pathogenic/Likely pathogenic. Review status: criteria provided, multiple submitters, no conflicts (2 of 4 stars). 3 submissions from 3 submitters: Pathogenic (1); Likely pathogenic (2). Last evaluated 2025-03-12.

Conditions:
GPIHBP1-related disorders.
Hyperlipoproteinemia, type 1D. Also called: Hyperlipoproteinemia, type ID. Identifiers: Orphanet 444490, Orphanet 535458, MedGen C4014767, MONDO:0014412, OMIM 615947.

Submissions (3):

Labcorp Genetics (formerly Invitae), Labcorp
Classification: Likely pathogenic. Last evaluated: 2025-03-12. Review status: criteria provided, single submitter. Criteria: Invitae Variant Classification Sherloc (09022015). Collection method: clinical testing. Allele origin: germline.
Comment: This sequence change affects a donor splice site in intron 1 of the GPIHBP1 gene. It is expected to disrupt RNA splicing. Variants that disrupt the donor or acceptor splice site typically lead to a loss of protein function (PMID: 16199547), and loss-of-function variants in GPIHBP1 are known to be pathogenic (PMID: 21816778, 22008945). This variant is not present in population databases (gnomAD no frequency). Disruption of this splice site has been observed in individual(s) with hypertriglyceridemia (internal data). ClinVar contains an entry for this variant (Variation ID: 3358985). Algorithms developed to predict the effect of sequence changes on RNA splicing suggest that this variant may disrupt the consensus splice site. In summary, the currently available evidence indicates that the variant is pathogenic, but additional data are needed to prove that conclusively. Therefore, this variant has been classified as Likely Pathogenic.

Blueprint Genetics
Classification: Likely pathogenic for GPIHBP1-related disorders. Last evaluated: 2024-06-28. Review status: criteria provided, single submitter. Criteria: ACMG Guidelines, 2015. Collection method: clinical testing. Allele origin: germline. Affected: yes. Observed: 1 variant allele.

Institute of Human Genetics, University of Leipzig Medical Center
Classification: Pathogenic for Hyperlipoproteinemia, type 1D. Last evaluated: 2024-04-22. Review status: criteria provided, single submitter. Criteria: ACMG Guidelines, 2015. Collection method: clinical testing. Allele origin: inherited. Inheritance: Autosomal recessive inheritance. Affected: yes.
Comment: Criteria applied: PVS1,PM2_SUP,PM3_SUP

Literature cited by the submitters: PubMed 16199547 (cited by Labcorp Genetics (formerly Invitae), Labcorp); PubMed 21816778 (cited by Labcorp Genetics (formerly Invitae), Labcorp); PubMed 22008945 (cited by Labcorp Genetics (formerly Invitae), Labcorp).